The following is an entry in ClinVar:

NM_001453.3(FOXC1):c.1207T>C (p.Tyr403His)

Gene: FOXC1 (forkhead box C1; plus strand). Cytogenetic location: 6p25.3.
Variant type: single nucleotide variant.
Coding change: c.1207T>C on transcript NM_001453.3 (MANE Select); coding-DNA position 1207, T replaced by C.
Protein change: p.Tyr403His; replaces tyrosine 403 with histidine.
Molecular consequence: missense variant.
Genome position (GRCh38, 1-based): chr6:1,611,652, T>C. VCF-style: chr6-1611652-T-C. GRCh37 (hg19) VCF-style: chr6-1611887-T-C.
Other names: c.1207T>C (NM_001453.2); short protein forms Y403H.
Identifiers: ClinVar variation 2713057 (VCV002713057.6), dbSNP rs949297601, ClinGen allele CA133391156.

ClinVar aggregate classification (germline): Uncertain significance. Review status: criteria provided, multiple submitters, no conflicts (2 of 4 stars). 3 submissions from 3 submitters: Uncertain significance (3). Last evaluated 2025-05-29.

Conditions:
Axenfeld-Rieger syndrome type 3 (RIEG3). Also called: AXENFELD-RIEGER ANOMALY WITH CARDIAC DEFECTS AND/OR SENSORINEURAL HEARING LOSS. Identifiers: Orphanet 782, MedGen C2678503, MONDO:0011233, OMIM 602482.
FOXC1-related disorder. Also called: FOXC1-related condition.

Allele frequency attached by ClinVar (database versions not stated): gnomAD exomes 0.00001; gnomAD 0.00003; TOPMed 0.00003.
gnomAD v4.1: 12 of 1,367,874 alleles (0.00088%); highest among the groups gnomAD compares: African/African-American, 0.0016%; no homozygotes.

Submissions (3):

PreventionGenetics, part of Exact Sciences
Classification: Uncertain significance for FOXC1-related condition. Last evaluated: 2025-05-29. Review status: criteria provided, single submitter. Criteria: ACMG Guidelines, 2015. Collection method: clinical testing. Allele origin: germline.
Comment: The FOXC1 c.1207T>C variant is predicted to result in the amino acid substitution p.Tyr403His. To our knowledge, this variant has not been reported in the literature or in a large population database (gnomAD), indicating this variant is rare. At this time, the clinical significance of this variant is uncertain due to the absence of conclusive functional and genetic evidence.

Labcorp Genetics (formerly Invitae), Labcorp
Classification: Uncertain significance for Axenfeld-Rieger syndrome type 3. Last evaluated: 2025-03-17. Review status: criteria provided, single submitter. Criteria: Invitae Variant Classification Sherloc (09022015). Collection method: clinical testing. Allele origin: germline.
Comment: This sequence change replaces tyrosine, which is neutral and polar, with histidine, which is basic and polar, at codon 403 of the FOXC1 protein (p.Tyr403His). This variant is not present in population databases (gnomAD no frequency). This variant has not been reported in the literature in individuals affected with FOXC1-related conditions. ClinVar contains an entry for this variant (Variation ID: 2713057). An algorithm developed to predict the effect of missense changes on protein structure and function (PolyPhen-2) suggests that this variant is likely to be disruptive. In summary, the available evidence is currently insufficient to determine the role of this variant in disease. Therefore, it has been classified as a Variant of Uncertain Significance.

Women's Health and Genetics/Laboratory Corporation of America, LabCorp
Classification: Uncertain significance. Last evaluated: 2024-02-15. Review status: criteria provided, single submitter. Criteria: LabCorp Variant Classification Summary - May 2015. Collection method: clinical testing. Allele origin: germline.
Comment: Variant summary: FOXC1 c.1207T>C (p.Tyr403His) results in a conservative amino acid change in the encoded protein sequence. Four of five in-silico tools predict a damaging effect of the variant on protein function. The variant was absent in 28500 control chromosomes (gnomAD). The available data on variant occurrences in the general population are insufficient to allow any conclusion about variant significance. To our knowledge, no occurrence of c.1207T>C in individuals affected with FOXC1-Related Disorders and no experimental evidence demonstrating its impact on protein function have been reported. No submitters have cited clinical-significance assessments for this variant to ClinVar. Based on the evidence outlined above, the variant was classified as uncertain significance.